The following is an entry in ClinVar:

NM_015102.5(NPHP4):c.1733C>T (p.Ala578Val)

Gene: NPHP4 (nephrocystin 4; minus strand). Cytogenetic location: 1p36.31.
Variant type: single nucleotide variant.
Coding change: c.1733C>T on transcript NM_015102.5 (MANE Select); coding-DNA position 1733, C replaced by T.
Protein change: p.Ala578Val; replaces alanine 578 with valine.
Molecular consequence: missense variant. On other transcripts: non-coding transcript variant (1).
Genome position (GRCh38, 1-based): chr1:5,905,662, G>A on the plus strand (C>T on the coding strand, the complement: NPHP4 is on the minus strand). VCF-style: chr1-5905662-G-A. GRCh37 (hg19) VCF-style: chr1-5965722-G-A.
Other names: c.194C>T, p.Ala65Val (NM_001291593.2); c.197C>T, p.Ala66Val (NM_001291594.2); short protein forms A578V, A65V, A66V.
Identifiers: ClinVar variation 2418880 (VCV002418880.5), dbSNP rs2521516614, ClinGen allele CA338055157.
Genomic context (GRCh38, chr1:5,905,662, plus strand): 5'-GGTTCCATCCCACCCAGACCCACACCTCACCTCCTGGTCTGGGTTCCCACAACAATAGGG[G>A]CATGCAAAGGCGTGAACGGCAGCTCCTGTAACTGTTCGGCAATGGATGTTTCCAGGACCA-3'
Protein context (NP_055917.1, residues 568-588): LQELPFTPLH[Ala578Val]PIVVGTQTRS

ClinVar aggregate classification (germline): Uncertain significance (1 of 4 stars; one submission).

Conditions:
Nephronophthisis. Also called: Juvenile Nephronophthisis. Identifiers: Orphanet 655, MedGen C0687120, MONDO:0019005, HP:0000090.

Allele frequency attached by ClinVar (database versions not stated): gnomAD exomes 0.00001.
gnomAD v4.1: 10 of 1,613,958 alleles (0.00062%); highest among the groups gnomAD compares: Non-Finnish European, 0.00076%; no homozygotes.

Submission:

Labcorp Genetics (formerly Invitae), Labcorp
Classification: Uncertain significance for Nephronophthisis. Last evaluated: 2022-08-07. Review status: criteria provided, single submitter. Criteria: Invitae Variant Classification Sherloc (09022015). Collection method: clinical testing. Allele origin: germline.
Comment: In summary, the available evidence is currently insufficient to determine the role of this variant in disease. Therefore, it has been classified as a Variant of Uncertain Significance. Algorithms developed to predict the effect of missense changes on protein structure and function output the following: SIFT: "Tolerated"; PolyPhen-2: "Benign"; Align-GVGD: "Class C0". The valine amino acid residue is found in multiple mammalian species, which suggests that this missense change does not adversely affect protein function. This sequence change replaces alanine, which is neutral and non-polar, with valine, which is neutral and non-polar, at codon 578 of the NPHP4 protein (p.Ala578Val). This variant is not present in population databases (gnomAD no frequency). This variant has not been reported in the literature in individuals affected with NPHP4-related conditions.